The following is an entry in ClinVar:

NM_015425.6(POLR1A):c.4312G>A (p.Glu1438Lys)

Gene: POLR1A (RNA polymerase I subunit A; minus strand). Cytogenetic location: 2p11.2.
Variant type: single nucleotide variant.
Coding change: c.4312G>A on transcript NM_015425.6 (MANE Select); coding-DNA position 4312, G replaced by A.
Protein change: p.Glu1438Lys; replaces glutamic acid 1438 with lysine.
Molecular consequence: missense variant.
Genome position (GRCh38, 1-based): chr2:86,031,596, C>T on the plus strand (G>A on the coding strand, the complement: POLR1A is on the minus strand). VCF-style: chr2-86031596-C-T. GRCh37 (hg19) VCF-style: chr2-86258719-C-T.
Other names: short protein forms E1438K.
Identifiers: ClinVar variation 3699150 (VCV003699150.2).

ClinVar aggregate classification (germline): Uncertain significance (1 of 4 stars; one submission).

gnomAD v4.1: 26 of 1,613,110 alleles (0.0016%); highest among the groups gnomAD compares: Non-Finnish European, 0.0016%; no homozygotes.

Submission:

Labcorp Genetics (formerly Invitae), Labcorp
Classification: Uncertain significance. Last evaluated: 2024-02-25. Review status: criteria provided, single submitter. Criteria: Invitae Variant Classification Sherloc (09022015). Collection method: clinical testing. Allele origin: germline.
Comment: This sequence change replaces glutamic acid, which is acidic and polar, with lysine, which is basic and polar, at codon 1438 of the POLR1A protein (p.Glu1438Lys). This variant is present in population databases (rs375456606, gnomAD 0.01%). This variant has not been reported in the literature in individuals affected with POLR1A-related conditions. Advanced modeling of protein sequence and biophysical properties (such as structural, functional, and spatial information, amino acid conservation, physicochemical variation, residue mobility, and thermodynamic stability) performed at Invitae indicates that this missense variant is not expected to disrupt POLR1A protein function with a negative predictive value of 80%. In summary, the available evidence is currently insufficient to determine the role of this variant in disease. Therefore, it has been classified as a Variant of Uncertain Significance.